The following is an entry in ClinVar:

ClinVar aggregate classification (germline): Likely benign (1 of 4 stars; one submission).

Submissions (2):

Molecular Diagnostic Laboratory for Inherited Cardiovascular Disease, Montreal Heart Institute
Classification: Likely benign. Last evaluated: 2025-04-09. Review status: criteria provided, single submitter. Criteria: ACMG Guidelines, 2015. Collection method: clinical testing. Allele origin: germline. Affected: no.

Roden Lab, Vanderbilt University Medical Center
No classification provided (evidence only). Condition: Long QT syndrome 5. Review status: no classification provided. Collection method: in vitro. Allele origin: not applicable. Functional consequence: Effect on ion channel function. Not counted in ClinVar's aggregate classification.
ClinVar note: "not provided" was previously submitted as the classification for the variant. However, the classification appeared to be based only on an observation of functional data so it was converted to no classification on 2025-07-30.

NM_000219.6(KCNE1):c.187C>T (p.Leu63=)

Gene: KCNE1 (potassium voltage-gated channel subfamily E regulatory subunit 1; minus strand). Cytogenetic location: 21q22.12.
Variant type: single nucleotide variant.
Coding change: c.187C>T on transcript NM_000219.6 (MANE Select); coding-DNA position 187, C replaced by T.
Protein change: p.Leu63=; no amino-acid change (leucine 63 retained).
Molecular consequence: synonymous variant.
Genome position (GRCh38, 1-based): chr21:34,449,448, G>A on the plus strand (C>T on the coding strand, the complement: KCNE1 is on the minus strand). VCF-style: chr21-34449448-G-A. GRCh37 (hg19) VCF-style: chr21-35821746-G-A.
Other names: c.187C>T, p.Leu63= (NM_001127668.4, NM_001127669.4, NM_001127670.4 and 4 more transcripts); c.187C>T (NM_001127670.3).
Identifiers: ClinVar variation 3374279 (VCV003374279.3).